The following is an entry in ClinVar:

ClinVar aggregate classification (germline): Pathogenic (1 of 4 stars; one submission).

Submission:

Quest Diagnostics Nichols Institute San Juan Capistrano
Classification: Pathogenic. Last evaluated: 2022-02-09. Review status: criteria provided, single submitter. Criteria: ACMG/ClinGen CNV Guidelines, 2019. Collection method: clinical testing. Allele origin: unknown.
Comment: Patients observed with similar terminal deletions of 8p23 exhibited common phenotypes including growth retardation, microcephaly and mildly dysmorphic features, followed by intellectual ability, language delay and behavioral problems (including autism spectrum disorder and attention deficient hyperactivity disorder) (PMID 28901431).

GRCh37/hg19 8p23.3-23.2(chr8:158049-4608757)x1

Genes: ARHGEF10 (Rho guanine nucleotide exchange factor 10; plus strand), CLN8 (CLN8 transmembrane ER and ERGIC protein; plus strand), CSMD1 (CUB and Sushi multiple domains 1; minus strand), DLGAP2 (DLG associated protein 2; plus strand), ERICH1 (glutamate rich 1; minus strand) and 5 more. Cytogenetic location: 8p23.3-23.2.
Variant type: copy number loss.
Change: copy number 1 (one copy instead of two) of chr8:158,049-4,608,757 (4.45 Mb, GRCh37 coordinates, 1-based), cytogenetic band 8p23.3-23.2.
Identifiers: ClinVar variation 1808425 (VCV001808425.1).